The following is an entry in ClinVar:

ClinVar aggregate classification (germline): Uncertain significance (1 of 4 stars; one submission).

Conditions:
Neurofibromatosis, type 1 (NF1). Also called: VON RECKLINGHAUSEN DISEASE; NEUROFIBROMATOSIS, TYPE I, SOMATIC; Peripheral type neurofibromatosis; Neurofibromatosis, type I. Identifiers: Orphanet 636, MedGen C0027831, MONDO:0018975, OMIM 162200. Disease mechanism: loss of function.

Submission:

Labcorp Genetics (formerly Invitae), Labcorp
Classification: Uncertain significance for Neurofibromatosis, type 1. Last evaluated: 2024-08-12. Review status: criteria provided, single submitter. Criteria: Invitae Variant Classification Sherloc (09022015). Collection method: clinical testing. Allele origin: germline.
Comment: This sequence change replaces cysteine, which is neutral and slightly polar, with serine, which is neutral and polar, at codon 1144 of the NF1 protein (p.Cys1144Ser). This variant is not present in population databases (gnomAD no frequency). This variant has not been reported in the literature in individuals affected with NF1-related conditions. Advanced modeling of protein sequence and biophysical properties (such as structural, functional, and spatial information, amino acid conservation, physicochemical variation, residue mobility, and thermodynamic stability) performed at Invitae indicates that this missense variant is not expected to disrupt NF1 protein function with a negative predictive value of 95%. In summary, the available evidence is currently insufficient to determine the role of this variant in disease. Therefore, it has been classified as a Variant of Uncertain Significance.

NM_001042492.3(NF1):c.3431G>C (p.Cys1144Ser)

Gene: NF1 (neurofibromin 1; plus strand). Cytogenetic location: 17q11.2.
Variant type: single nucleotide variant.
Coding change: c.3431G>C on transcript NM_001042492.3 (MANE Select); coding-DNA position 3431, G replaced by C.
Protein change: p.Cys1144Ser; replaces cysteine 1144 with serine.
Molecular consequence: missense variant.
Genome position (GRCh38, 1-based): chr17:31,232,816, G>C. VCF-style: chr17-31232816-G-C. GRCh37 (hg19) VCF-style: chr17-29559834-G-C.
Other names: c.3431G>C, p.Cys1144Ser (NM_000267.4); short protein forms C1144S.
Identifiers: ClinVar variation 2756748 (VCV002756748.3), dbSNP rs2151434711, ClinGen allele CA398989247.
Genomic context (GRCh38, chr17:31,232,816, plus strand): 5'-GTGCGCAAACAGGTGGCAGGAAACGTGGCATGTCTCGGAGGCTGGCATCACTGAGGCACT[G>C]TACGGTCCTTGCAATGTCAAACTTACTCAATGCCAACGTAGACAGTGGTCTCATGCACTC-3'
Protein context (NP_001035957.1, residues 1134-1154): MSRRLASLRH[Cys1144Ser]TVLAMSNLLN